The following is an entry in ClinVar:

ClinVar aggregate classification (germline): Conflicting classifications of pathogenicity. Review status: criteria provided, conflicting classifications (1 of 4 stars). 6 submissions from 6 submitters: Uncertain significance (5); Likely benign (1). Last evaluated 2025-07-10.

Conditions:
DNAH1-related disorder. Also called: DNAH1-related condition.
Spermatogenic failure 18. Identifiers: MedGen C4539783, MONDO:0054615, OMIM 617576.
Ciliary dyskinesia, primary, 37 (CILD37). Also called: CILIARY DYSKINESIA, PRIMARY, 37, WITH OR WITHOUT SITUS INVERSUS. Identifiers: MedGen C4539798, MONDO:0033204, OMIM 617577.

Allele frequency attached by ClinVar (database versions not stated): ESP Exome Variant Server 0.00015; 1000 Genomes Project 30x 0.00016; 1000 Genomes Project 0.00020; gnomAD 0.00023 and 0.00025; TOPMed 0.00023; gnomAD exomes 0.00038 and 0.00042; ExAC 0.00042.
gnomAD v4.1: 637 of 1,613,134 alleles (0.039%); highest among the groups gnomAD compares: Non-Finnish European, 0.052%; no homozygotes.

Submissions (6):

GeneDx
Classification: Uncertain significance. Last evaluated: 2025-07-10. Review status: criteria provided, single submitter. Criteria: GeneDx Variant Classification Process June 2021. Collection method: clinical testing. Allele origin: germline. Affected: yes.
Comment: In silico analysis suggests that this missense variant does not alter protein structure/function; Has not been previously published as pathogenic or benign to our knowledge

Ambry Genetics
Classification: Uncertain significance. Last evaluated: 2024-11-21. Review status: criteria provided, single submitter. Criteria: Ambry Variant Classification Scheme 2023. Collection method: clinical testing. Allele origin: germline.

Blueprint Genetics
Classification: Uncertain significance. Last evaluated: 2024-08-28. Review status: criteria provided, single submitter. Criteria: ACMG Guidelines, 2015. Collection method: clinical testing. Allele origin: germline.

PreventionGenetics, part of Exact Sciences
Classification: Uncertain significance for DNAH1-related condition. Last evaluated: 2023-06-12. Review status: criteria provided, single submitter. Criteria: ACMG Guidelines, 2015. Collection method: clinical testing. Allele origin: germline.
Comment: The DNAH1 c.9302A>G variant is predicted to result in the amino acid substitution p.Lys3101Arg. To our knowledge, this variant has not been reported in the literature. This variant is reported in 0.075% of alleles in individuals of European (Non-Finnish) descent in gnomAD, which may be too common to be causative of disease. Although we suspect that this variant may be benign, at this time, the clinical significance of this variant is uncertain due to the absence of conclusive functional and genetic evidence.

CeGaT Center for Human Genetics Tuebingen
Classification: Likely benign. Last evaluated: 2022-11-01. Review status: criteria provided, single submitter. Criteria: CeGaT Center For Human Genetics Tuebingen Variant Classification Criteria Version 2. Collection method: clinical testing. Allele origin: germline. Affected: yes. Observed: 1 variant allele.
Comment: DNAH1: BP4

Labcorp Genetics (formerly Invitae), Labcorp
Classification: Uncertain significance for Ciliary dyskinesia, primary, 37; Spermatogenic failure 18. Last evaluated: 2022-09-07. Review status: criteria provided, single submitter. Criteria: Invitae Variant Classification Sherloc (09022015). Collection method: clinical testing. Allele origin: germline.
Comment: This sequence change replaces lysine, which is basic and polar, with arginine, which is basic and polar, at codon 3101 of the DNAH1 protein (p.Lys3101Arg). This variant is present in population databases (rs199884450, gnomAD 0.07%). This variant has not been reported in the literature in individuals affected with DNAH1-related conditions. ClinVar contains an entry for this variant (Variation ID: 1416117). Algorithms developed to predict the effect of missense changes on protein structure and function are either unavailable or do not agree on the potential impact of this missense change (SIFT: "Deleterious"; PolyPhen-2: "Benign"; Align-GVGD: "Class C0"). Algorithms developed to predict the effect of sequence changes on RNA splicing suggest that this variant may create or strengthen a splice site. In summary, the available evidence is currently insufficient to determine the role of this variant in disease. Therefore, it has been classified as a Variant of Uncertain Significance.

NM_015512.5(DNAH1):c.9302A>G (p.Lys3101Arg)

Gene: DNAH1 (dynein axonemal heavy chain 1; plus strand). Cytogenetic location: 3p21.1.
Variant type: single nucleotide variant.
Coding change: c.9302A>G on transcript NM_015512.5 (MANE Select); coding-DNA position 9302, A replaced by G.
Protein change: p.Lys3101Arg; replaces lysine 3101 with arginine.
Molecular consequence: missense variant.
Genome position (GRCh38, 1-based): chr3:52,388,548, A>G. VCF-style: chr3-52388548-A-G. GRCh37 (hg19) VCF-style: chr3-52422564-A-G.
Other names: c.9302A>G (NM_015512.4); short protein forms K3101R.
Identifiers: ClinVar variation 1416117 (VCV001416117.33), dbSNP rs199884450, ClinGen allele CA2435442.
Genomic context (GRCh38, chr3:52,388,548, plus strand): 5'-TTCGTGAGGTGGAGGACGGCATCGCCACAATGCAGGCTAAGTACCGGGAATGCATTACCA[A>G]GAAGGAGGAGCTGGAGCTGAAGTGTGAGCAGTGTGAGCAGCGGCTGGGCCGAGCTGGCAA-3'
Protein context (NP_056327.4, residues 3091-3111): MQAKYRECIT[Lys3101Arg]KEELELKCEQ